The following is an entry in ClinVar:

ClinVar aggregate classification (germline): Uncertain significance (1 of 4 stars; one submission).

Submission:

Labcorp Genetics (formerly Invitae), Labcorp
Classification: Uncertain significance. Last evaluated: 2023-10-17. Review status: criteria provided, single submitter. Criteria: Invitae Variant Classification Sherloc (09022015). Collection method: clinical testing. Allele origin: germline.
Comment: This sequence change creates a premature translational stop signal (p.Ala821Glufs*2) in the DDX58 gene. While this is not anticipated to result in nonsense mediated decay, it is expected to disrupt the last 105 amino acid(s) of the DDX58 protein. This variant is not present in population databases (gnomAD no frequency). This variant has not been reported in the literature in individuals affected with DDX58-related conditions. ClinVar contains an entry for this variant (Variation ID: 1902359). Experimental studies and prediction algorithms are not available or were not evaluated, and the functional significance of this variant is currently unknown. In summary, the available evidence is currently insufficient to determine the role of this variant in disease. Therefore, it has been classified as a Variant of Uncertain Significance.

NM_014314.4(RIGI):c.2462_2471del (p.Ala821fs)

Genes: RIGI (RNA sensor RIG-I; minus strand), LOC101060445 (uncharacterized LOC101060445; plus strand). Cytogenetic location: 9p21.1.
Variant type: Deletion.
Coding change: c.2462_2471del on transcript NM_014314.4 (MANE Select); coding-DNA positions 2462 to 2471, 10 bases deleted (CTGACGTAAG; older notation c.2462_2471delCTGACGTAAG).
Protein change: p.Ala821fs; shifts the reading frame from alanine 821.
Molecular consequence: frameshift variant.
Genome position (GRCh38, 1-based): chr9:32,459,381-32,459,390, CTTACGTCAG deleted on the plus strand (CTGACGTAAG on the coding strand, the reverse complement: RIGI is on the minus strand); deleting any 10 consecutive bases within chr9:32,459,381-32,459,392 gives the same sequence; the c. name uses the placement nearest the transcript's 3' end. VCF-style (leftmost placement, unchanged base first): chr9-32459380-TCTTACGTCAG-T. GRCh37 (hg19) VCF-style: chr9-32459378-TCTTACGTCAG-T.
Other names: c.2456_2465del, p.Ala819fs (NM_001385907.1); c.2291_2300del, p.Ala764fs (NM_001385909.1); c.2021_2030del, p.Ala674fs (NM_001385910.1); c.1853_1862del, p.Ala618fs (NM_001385912.1); c.2447_2456del, p.Ala816fs (NM_001385913.1); c.2018_2027del, p.Ala673fs (NM_001385914.1); short protein forms A618fs, A673fs, A674fs, A819fs, A764fs, A816fs, A821fs.
Identifiers: ClinVar variation 1902359 (VCV001902359.5), dbSNP rs1417419940, ClinGen allele CA863276672.
Genomic context (GRCh38, chr9:32,459,380, plus strand): 5'-CTGTAGCTAGTGCTAAAACATGACCAGGCACTTTGTAAAAAGGCAGCTTACCTCTATCAC[TCTTACGTCAG>T]CTGTGTAACATGCCAAGGCTTTGCACTTTCTGCAGAGCAGTTTTTTATTTTCCTTATCAG-3'